The following is an entry in ClinVar:

ClinVar aggregate classification (germline): Pathogenic (1 of 4 stars; one submission).

Conditions:
Early-infantile DEE. Also called: Ohtahara syndrome; Early infantile epileptic encephalopathy with suppression bursts; Early infantile epileptic encephalopathy. Identifiers: Orphanet 1934, MedGen C0393706, MONDO:0800491.

Submission:

Labcorp Genetics (formerly Invitae), Labcorp
Classification: Pathogenic for Early-infantile DEE. Last evaluated: 2023-02-06. Review status: criteria provided, single submitter. Criteria: Invitae Variant Classification Sherloc (09022015). Collection method: clinical testing. Allele origin: germline.
Comment: Advanced modeling of protein sequence and biophysical properties (such as structural, functional, and spatial information, amino acid conservation, physicochemical variation, residue mobility, and thermodynamic stability) performed at Invitae indicates that this missense variant is not expected to disrupt SCN1A protein function. ClinVar contains an entry for this variant (Variation ID: 1057584). This missense change has been observed in individual(s) with clinical features consistent with Dravet syndrome (PMID: 22612257; Invitae). In at least one individual the variant was observed to be de novo. This variant is not present in population databases (gnomAD no frequency). This sequence change replaces glutamic acid, which is acidic and polar, with valine, which is neutral and non-polar, at codon 289 of the SCN1A protein (p.Glu289Val). Algorithms developed to predict the effect of sequence changes on RNA splicing suggest that this variant may create or strengthen a splice site. For these reasons, this variant has been classified as Pathogenic.

Literature cited by the submitters: PubMed 22612257.

NM_001165963.4(SCN1A):c.866A>T (p.Glu289Val)

Gene: SCN1A (sodium voltage-gated channel alpha subunit 1; minus strand). Cytogenetic location: 2q24.3.
Variant type: single nucleotide variant.
Coding change: c.866A>T on transcript NM_001165963.4 (MANE Select); coding-DNA position 866, A replaced by T.
Protein change: p.Glu289Val; replaces glutamic acid 289 with valine.
Molecular consequence: missense variant. On other transcripts: 5 prime UTR variant (1), non-coding transcript variant (1).
Genome position (GRCh38, 1-based): chr2:166,051,817, T>A on the plus strand (A>T on the coding strand, the complement: SCN1A is on the minus strand). VCF-style: chr2-166051817-T-A. GRCh37 (hg19) VCF-style: chr2-166908327-T-A.
Other names: c.866A>T, p.Glu289Val (NM_001165964.3, NM_001202435.3, NM_001353948.2 and 10 more transcripts); c.-1560A>T (NM_001353961.2); short protein forms E289V.
Identifiers: ClinVar variation 1057584 (VCV001057584.10), dbSNP rs2105889320, ClinGen allele CA349072868.